The following is an entry in ClinVar:

NM_006035.4(CDC42BPB):c.1277A>C (p.Lys426Thr)

Gene: CDC42BPB (CDC42 binding protein kinase beta; minus strand). Cytogenetic location: 14q32.32.
Variant type: single nucleotide variant.
Coding change: c.1277A>C on transcript NM_006035.4 (MANE Select); coding-DNA position 1277, A replaced by C.
Protein change: p.Lys426Thr; replaces lysine 426 with threonine.
Molecular consequence: missense variant.
Genome position (GRCh38, 1-based): chr14:102,975,993, T>G on the plus strand (A>C on the coding strand, the complement: CDC42BPB is on the minus strand). VCF-style: chr14-102975993-T-G. GRCh37 (hg19) VCF-style: chr14-103442330-T-G.
Other names: c.1277A>C, p.Lys426Thr (NM_001411054.1); short protein forms K426T.
Identifiers: ClinVar variation 4822967 (VCV004822967.4).
Genomic context (GRCh38, chr14:102,975,993, plus strand): 5'-CTCCTCTCGTAAGCTTCCATCTGCAGGCTGTGCTCCAGGTCCCGCTGCACATCCTCATCT[T>G]TGGTTAATGTGTTGGACTGCATTATGCTCTTCAGAGAGCCTCGATCAGAAAAACAGCTGG-3'
Protein context (NP_006026.3, residues 416-436): KSIMQSNTLT[Lys426Thr]DEDVQRDLEH

ClinVar aggregate classification (germline): Uncertain significance (1 of 4 stars; one submission).

gnomAD v4.1: 1 of 1,614,248 alleles (0.000062%); highest among the groups gnomAD compares: African/African-American, 0.0013%; no homozygotes.

Submission:

CeGaT Center for Human Genetics Tuebingen
Classification: Uncertain significance. Last evaluated: 2026-01-01. Review status: criteria provided, single submitter. Criteria: CeGaT Center For Human Genetics Tuebingen Variant Classification Criteria Version 2. Collection method: clinical testing. Allele origin: germline. Affected: yes. Observed: 1 variant allele.
Comment: CDC42BPB: PP3